The following is an entry in ClinVar:

ClinVar aggregate classification (germline): Uncertain significance. Review status: criteria provided, multiple submitters, no conflicts (2 of 4 stars). 2 submissions from 2 submitters: Uncertain significance (2). Last evaluated 2024-01-23.

Conditions:
Hemorrhage, intracerebral, susceptibility to (ICH). Also called: Stroke, hemorrhagic, susceptibility to. Identifiers: MedGen C3281105, MONDO:0100533, OMIM 614519.
Microvascular complications of diabetes, susceptibility to, 3. Identifiers: MedGen C2675470, MONDO:0012963, OMIM 612624.
Renal tubular dysgenesis of genetic origin. Also called: PRIMITIVE RENAL TUBULE SYNDROME. Identifiers: Orphanet 97369, MedGen C5681536, MONDO:0009970, OMIM 267430.

gnomAD v4.1: 14 of 1,613,350 alleles (0.00087%); highest among the groups gnomAD compares: East Asian, 0.0067%; no homozygotes.

Submissions (2):

Fulgent Genetics
Classification: Uncertain significance for Renal tubular dysgenesis of genetic origin; Microvascular complications of diabetes, susceptibility to, 3; Hemorrhage, intracerebral, susceptibility to. Last evaluated: 2024-01-23. Review status: criteria provided, single submitter. Criteria: ACMG Guidelines, 2015. Collection method: clinical testing. Allele origin: germline.

GeneDx
Classification: Uncertain significance. Last evaluated: 2023-10-06. Review status: criteria provided, single submitter. Criteria: GeneDx Variant Classification Process June 2021. Collection method: clinical testing. Allele origin: germline. Affected: yes.
Comment: In silico analysis supports that this missense variant has a deleterious effect on protein structure/function; Reported in a fetus in published literature with bilateral renal agenesis, anhydramnios, brain dysplasia, and spinal abnormality who also harbored another ACE variant on the opposite allele (in trans) (Chen et al., 2020); This variant is associated with the following publications: (PMID: 32502767, Yuan_2022_preprint)

NM_000789.4(ACE):c.2593G>A (p.Gly865Arg)

Gene: ACE (angiotensin I converting enzyme; plus strand). Cytogenetic location: 17q23.3.
Variant type: single nucleotide variant.
Coding change: c.2593G>A on transcript NM_000789.4 (MANE Select); coding-DNA position 2593, G replaced by A.
Protein change: p.Gly865Arg; replaces glycine 865 with arginine.
Molecular consequence: missense variant. On other transcripts: non-coding transcript variant (1), intron variant (1).
Genome position (GRCh38, 1-based): chr17:63,489,084, G>A. VCF-style: chr17-63489084-G-A. GRCh37 (hg19) VCF-style: chr17-61566445-G-A.
Other names: c.871G>A, p.Gly291Arg (NM_001178057.2, NM_152830.3); c.2026G>A, p.Gly676Arg (NM_001382700.1); c.1741G>A, p.Gly581Arg (NM_001382701.1); c.379+293G>A (NM_001382702.1); short protein forms G291R, G581R, G676R, G865R.
Identifiers: ClinVar variation 3340903 (VCV003340903.2).
Genomic context (GRCh38, chr17:63,489,084, plus strand): 5'-CTGCAGCCACTCTACCTCAACCTGCATGCCTACGTGCGCCGGGCCCTGCACCGTCACTAC[G>A]GGGCCCAGCACATCAACCTGGAGGGGCCCATTCCTGCTCACCTGCTGGGTAAGGGCACAT-3'
Protein context (NP_000780.1, residues 855-875): YVRRALHRHY[Gly865Arg]AQHINLEGPI